The following is an entry in ClinVar:

NM_033004.4(NLRP1):c.1340C>T (p.Thr447Ile)

Gene: NLRP1 (NLR family pyrin domain containing 1; minus strand). Cytogenetic location: 17p13.2.
Variant type: single nucleotide variant.
Coding change: c.1340C>T on transcript NM_033004.4 (MANE Select); coding-DNA position 1340, C replaced by T.
Protein change: p.Thr447Ile; replaces threonine 447 with isoleucine.
Molecular consequence: missense variant.
Genome position (GRCh38, 1-based): chr17:5,559,356, G>A on the plus strand (C>T on the coding strand, the complement: NLRP1 is on the minus strand). VCF-style: chr17-5559356-G-A. GRCh37 (hg19) VCF-style: chr17-5462676-G-A.
Other names: c.1340C>T, p.Thr447Ile (NM_001033053.3, NM_014922.5, NM_033006.4 and 1 more transcripts); short protein forms T447I.
Identifiers: ClinVar variation 432342 (VCV000432342.6), dbSNP rs142594927, ClinGen allele CA8327384.

ClinVar aggregate classification (germline): Uncertain significance. Review status: criteria provided, multiple submitters, no conflicts (2 of 4 stars). 3 submissions from 3 submitters: Uncertain significance (3). Last evaluated 2025-06-07.

Conditions:
Inborn genetic diseases. Identifiers: MedGen C0950123, MeSH D030342.

Allele frequency attached by ClinVar (database versions not stated): gnomAD exomes below 0.00001 and 0.00001; ExAC 0.00001; TOPMed 0.00002; gnomAD 0.00005; ESP Exome Variant Server 0.00015.
gnomAD v4.1: 25 of 1,613,866 alleles (0.0015%); highest among the groups gnomAD compares: Non-Finnish European, 0.0019%; no homozygotes.

Submissions (3):

Ambry Genetics
Classification: Uncertain significance for Inborn genetic diseases. Last evaluated: 2025-06-07. Review status: criteria provided, single submitter. Criteria: Ambry Variant Classification Scheme 2023. Collection method: clinical testing. Allele origin: germline.

Labcorp Genetics (formerly Invitae), Labcorp
Classification: Uncertain significance. Last evaluated: 2024-10-17. Review status: criteria provided, single submitter. Criteria: Invitae Variant Classification Sherloc (09022015). Collection method: clinical testing. Allele origin: germline.
Comment: This sequence change replaces threonine, which is neutral and polar, with isoleucine, which is neutral and non-polar, at codon 447 of the NLRP1 protein (p.Thr447Ile). This variant is present in population databases (rs142594927, gnomAD 0.004%). This variant has not been reported in the literature in individuals affected with NLRP1-related conditions. ClinVar contains an entry for this variant (Variation ID: 432342). An algorithm developed to predict the effect of missense changes on protein structure and function (PolyPhen-2) suggests that this variant is likely to be disruptive. In summary, the available evidence is currently insufficient to determine the role of this variant in disease. Therefore, it has been classified as a Variant of Uncertain Significance.

GeneDx
Classification: Uncertain significance. Last evaluated: 2017-06-01. Review status: criteria provided, single submitter. Criteria: GeneDx Variant Classification (06012015). Collection method: clinical testing. Allele origin: germline. Affected: yes.
Comment: The T447I variant in the NLRP1 gene has not been reported previously as a pathogenic variant, nor as a benign variant, to our knowledge. The T447I variant is observed in 1/65788 (0.0015%) alleles from individuals of non-Finnish European background, in large population cohorts (Lek et al., 2016; 1000 Genomes Consortium et al., 2015; Exome Variant Server). The T447I variant is a non-conservative amino acid substitution, which is likely to impact secondary protein structure as these residues differ in polarity, charge, size and/or other properties. This substitution occurs at a position that is not conserved. In silico analysis is inconsistent in its predictions as to whether or not the variant is damaging to the protein structure/function. We interpret T447I as a variant of uncertain significance.